The following is an entry in ClinVar:

NM_000720.4(CACNA1D):c.1492C>T (p.Arg498Trp)

Gene: CACNA1D (calcium voltage-gated channel subunit alpha1 D; plus strand). Cytogenetic location: 3p21.1.
Variant type: single nucleotide variant.
Coding change: c.1492C>T on transcript NM_000720.4 (MANE Plus Clinical); coding-DNA position 1492, C replaced by T.
Protein change: p.Arg498Trp; replaces arginine 498 with tryptophan.
Molecular consequence: missense variant. On other transcripts: intron variant (2).
Genome position (GRCh38, 1-based): chr3:53,718,695, C>T. VCF-style: chr3-53718695-C-T. GRCh37 (hg19) VCF-style: chr3-53752722-C-T.
Other names: c.1478+307C>T (NM_001128840.3, NM_001128839.3); short protein forms R498W.
Identifiers: ClinVar variation 1702624 (VCV001702624.8), dbSNP rs779984550, ClinGen allele CA2453970.

ClinVar aggregate classification (germline): Uncertain significance. Review status: criteria provided, multiple submitters, no conflicts (2 of 4 stars). 3 submissions from 3 submitters: Uncertain significance (3). Last evaluated 2026-09-09.

Conditions:
Inborn genetic diseases. Identifiers: MedGen C0950123, MeSH D030342.

Allele frequency attached by ClinVar (database versions not stated): gnomAD 0.00002; gnomAD exomes 0.00002 and 0.00004; TOPMed 0.00002.
gnomAD v4.1: 27 of 1,557,046 alleles (0.0017%); highest among the groups gnomAD compares: Admixed American, 0.0097%; no homozygotes.

Submissions (3):

GeneDx
Classification: Uncertain significance. Last evaluated: 2026-09-09. Review status: criteria provided, single submitter. Criteria: GeneDx Variant Classification Process June 2021. Collection method: clinical testing. Allele origin: germline.
Comment: In silico analysis suggests that this missense variant does not alter protein structure/function; Has not been previously published as pathogenic or benign to our knowledge

Labcorp Genetics (formerly Invitae), Labcorp
Classification: Uncertain significance. Last evaluated: 2026-01-15. Review status: criteria provided, single submitter. Criteria: Invitae Variant Classification Sherloc (09022015). Collection method: clinical testing. Allele origin: germline.
Comment: This sequence change replaces arginine, which is basic and polar, with tryptophan, which is neutral and slightly polar, at codon 498 of the CACNA1D protein (p.Arg498Trp). The frequency data for this variant in the population databases is considered unreliable, as metrics indicate poor data quality at this position in the gnomAD database. This variant has not been reported in the literature in individuals affected with CACNA1D-related conditions. ClinVar contains an entry for this variant (Variation ID: 1702624). An algorithm developed to predict the effect of missense changes on protein structure and function (PolyPhen-2) suggests that this variant is likely to be tolerated. In summary, the available evidence is currently insufficient to determine the role of this variant in disease. Therefore, it has been classified as a Variant of Uncertain Significance.

Ambry Genetics
Classification: Uncertain significance for Inborn genetic diseases. Last evaluated: 2025-08-29. Review status: criteria provided, single submitter. Criteria: Ambry Variant Classification Scheme 2023. Collection method: clinical testing. Allele origin: germline.